The following is an entry in ClinVar:

NM_001655.5(ARCN1):c.524G>A (p.Arg175Lys)

Gene: ARCN1 (archain 1; plus strand). Cytogenetic location: 11q23.3.
Variant type: single nucleotide variant.
Coding change: c.524G>A on transcript NM_001655.5 (MANE Select); coding-DNA position 524, G replaced by A.
Protein change: p.Arg175Lys; replaces arginine 175 with lysine.
Molecular consequence: missense variant. On other transcripts: non-coding transcript variant (2).
Genome position (GRCh38, 1-based): chr11:118,583,885, G>A. VCF-style: chr11-118583885-G-A. GRCh37 (hg19) VCF-style: chr11-118454600-G-A.
Other names: c.260G>A, p.Arg87Lys (NM_001142281.2, NM_001425081.1); c.524G>A, p.Arg175Lys (NM_001425073.1, NM_001425077.1, NM_001425078.1); c.521G>A, p.Arg174Lys (NM_001425074.1, NM_001425079.1); c.467G>A, p.Arg156Lys (NM_001425075.1); c.455G>A, p.Arg152Lys (NM_001425076.1); c.80G>A, p.Arg27Lys (NM_001425080.1); short protein forms R152K, R156K, R174K, R175K, R27K, R87K.
Identifiers: ClinVar variation 3768460 (VCV003768460.1).

ClinVar aggregate classification (germline): Uncertain significance (1 of 4 stars; one submission).

Submission:

Women's Health and Genetics/Laboratory Corporation of America, LabCorp
Classification: Uncertain significance. Last evaluated: 2024-12-24. Review status: criteria provided, single submitter. Criteria: LabCorp Variant Classification Summary - May 2015. Collection method: clinical testing. Allele origin: germline.
Comment: Variant summary: ARCN1 c.524G>A (p.Arg175Lys) results in a conservative amino acid change in the encoded protein sequence. Four of five in-silico tools predict a benign effect of the variant on protein function. The variant was absent in 251436 control chromosomes. The available data on variant occurrences in the general population are insufficient to allow any conclusion about variant significance. To our knowledge, no occurrence of c.524G>A in individuals affected with Short Stature, Rhizomelic, With Microcephaly, Micrognathia, And Developmental Delay and no experimental evidence demonstrating its impact on protein function have been reported. No submitters have cited clinical-significance assessments for this variant to ClinVar. Based on the evidence outlined above, the variant was classified as uncertain significance.